The following is an entry in ClinVar:

ClinVar aggregate classification (germline): Uncertain significance (1 of 4 stars; one submission).

Conditions:
Hereditary sensory and autonomic neuropathy type 7. Also called: HSAN VII; Neuropathy, hereditary sensory and autonomic, type VII. Identifiers: Orphanet 391397, MedGen C3809882, MONDO:0014244, OMIM 615548.
Familial episodic pain syndrome with predominantly lower limb involvement. Also called: Episodic pain syndrome, familial, 3. Identifiers: Orphanet 391384, Orphanet 391392, MedGen C3809899, MONDO:0014247, OMIM 615552.

gnomAD v4.1: 2 of 1,603,214 alleles (0.00012%); highest among the groups gnomAD compares: African/African-American, 0.0013%; no homozygotes.

Submission:

Labcorp Genetics (formerly Invitae), Labcorp
Classification: Uncertain significance for Familial episodic pain syndrome with predominantly lower limb involvement; Hereditary sensory and autonomic neuropathy type 7. Last evaluated: 2024-06-04. Review status: criteria provided, single submitter. Criteria: Invitae Variant Classification Sherloc (09022015). Collection method: clinical testing. Allele origin: germline.
Comment: This sequence change replaces tyrosine, which is neutral and polar, with cysteine, which is neutral and slightly polar, at codon 554 of the SCN11A protein (p.Tyr554Cys). This variant is present in population databases (no rsID available, gnomAD 0.01%). This variant has not been reported in the literature in individuals affected with SCN11A-related conditions. Advanced modeling of protein sequence and biophysical properties (such as structural, functional, and spatial information, amino acid conservation, physicochemical variation, residue mobility, and thermodynamic stability) performed at Invitae indicates that this missense variant is not expected to disrupt SCN11A protein function with a negative predictive value of 80%. In summary, the available evidence is currently insufficient to determine the role of this variant in disease. Therefore, it has been classified as a Variant of Uncertain Significance.

NM_001349253.2(SCN11A):c.1661A>G (p.Tyr554Cys)

Gene: SCN11A (sodium voltage-gated channel alpha subunit 11; minus strand). Cytogenetic location: 3p22.2.
Variant type: single nucleotide variant.
Coding change: c.1661A>G on transcript NM_001349253.2 (MANE Select); coding-DNA position 1661, A replaced by G.
Protein change: p.Tyr554Cys; replaces tyrosine 554 with cysteine.
Molecular consequence: missense variant.
Genome position (GRCh38, 1-based): chr3:38,904,046, T>C on the plus strand (A>G on the coding strand, the complement: SCN11A is on the minus strand). VCF-style: chr3-38904046-T-C. GRCh37 (hg19) VCF-style: chr3-38945537-T-C.
Other names: c.1661A>G, p.Tyr554Cys (NM_014139.3); short protein forms Y554C.
Identifiers: ClinVar variation 3750740 (VCV003750740.2).
Genomic context (GRCh38, chr3:38,904,046, plus strand): 5'-ATCACAGTTCTCAGGACCTTCTTAACGCACAGCCACTGGGGGCAACAGTTCCACACGAGG[T>C]ACTTGGATGCCAGGTTTTCTCCACAAGGGAGACAAGGCTCTTGTGATTTTTCTTGTTCTG-3'
Protein context (NP_001336182.1, residues 544-564): LPCGENLASK[Tyr554Cys]LVWNCCPQWL